The following is an entry in ClinVar:

NM_000057.4(BLM):c.2619G>C (p.Lys873Asn)

Gene: BLM (BLM RecQ like helicase; plus strand). Cytogenetic location: 15q26.1.
Variant type: single nucleotide variant.
Coding change: c.2619G>C on transcript NM_000057.4 (MANE Select); coding-DNA position 2619, G replaced by C.
Protein change: p.Lys873Asn; replaces lysine 873 with asparagine.
Molecular consequence: missense variant.
Genome position (GRCh38, 1-based): chr15:90,782,885, G>C. VCF-style: chr15-90782885-G-C. GRCh37 (hg19) VCF-style: chr15-91326115-G-C.
Other names: c.2619G>C (LRG_20t1); c.2619G>C, p.Lys873Asn (NM_001287246.2, NM_001287247.2); c.1494G>C, p.Lys498Asn (NM_001287248.2); short protein forms K873N, K498N.
Identifiers: ClinVar variation 405297 (VCV000405297.21), dbSNP rs146723808, ClinGen allele CA7738831.
Genomic context (GRCh38, chr15:90,782,885, plus strand): 5'-TAGCATGAGCTTTAACAGACATAATCTGAAATACTATGTATTACCGAAAAAGCCTAAAAA[G>C]GTGGCATTTGATTGCCTAGAATGGATCAGAAAGCACCACCCATGTGAGTACAGCCATGTG-3'
Protein context (NP_000048.1, residues 863-883): KYYVLPKKPK[Lys873Asn]VAFDCLEWIR

ClinVar aggregate classification (germline): Conflicting classifications of pathogenicity. Review status: criteria provided, conflicting classifications (1 of 4 stars). 7 submissions from 7 submitters: Uncertain significance (5); Likely benign (1). 1 of the submissions does not count toward it. Last evaluated 2026-01-25.

Conditions:
Hereditary cancer-predisposing syndrome. Also called: Hereditary neoplastic syndrome; Neoplastic Syndromes, Hereditary; Hereditary Cancer Syndrome; Tumor predisposition. Identifiers: Orphanet 140162, MedGen C0027672, MeSH D009386, MONDO:0015356.
Bloom syndrome (BLM). Also called: Bloom-Torre-Machacek syndrome. Identifiers: Orphanet 125, MedGen C0005859, MONDO:0008876, OMIM 210900.

Allele frequency attached by ClinVar (database versions not stated): gnomAD exomes 0.00005; gnomAD 0.00006 and 0.00007; ExAC 0.00009; TOPMed 0.00009; ESP Exome Variant Server 0.00023.

Submissions (7):

Labcorp Genetics (formerly Invitae), Labcorp
Classification: Uncertain significance for Bloom syndrome. Last evaluated: 2026-01-25. Review status: criteria provided, single submitter. Criteria: Invitae Variant Classification Sherloc (09022015). Collection method: clinical testing. Allele origin: germline.
Comment: This sequence change replaces lysine, which is basic and polar, with asparagine, which is neutral and polar, at codon 873 of the BLM protein (p.Lys873Asn). This variant is present in population databases (rs146723808, gnomAD 0.01%). This variant has not been reported in the literature in individuals affected with BLM-related conditions. ClinVar contains an entry for this variant (Variation ID: 405297). Invitae Evidence Modeling of protein sequence and biophysical properties (such as structural, functional, and spatial information, amino acid conservation, physicochemical variation, residue mobility, and thermodynamic stability) indicates that this missense variant is not expected to disrupt BLM protein function with a negative predictive value of 80%. Experimental studies have shown that this missense change does not substantially affect BLM function (PMID: 23129629). In summary, the available evidence is currently insufficient to determine the role of this variant in disease. Therefore, it has been classified as a Variant of Uncertain Significance.

GeneDx
Classification: Uncertain significance. Last evaluated: 2024-11-07. Review status: criteria provided, single submitter. Criteria: GeneDx Variant Classification Process June 2021. Collection method: clinical testing. Allele origin: germline.
Comment: Not observed at significant frequency in large population cohorts (gnomAD); In silico analysis indicates that this missense variant does not alter protein structure/function; Published functional studies demonstrate DNA damage response comparable to wild type (PMID: 23129629); This variant is associated with the following publications: (PMID: 23129629)

Quest Diagnostics Nichols Institute San Juan Capistrano
Classification: Uncertain significance. Last evaluated: 2024-07-29. Review status: criteria provided, single submitter. Criteria: Quest Diagnostics criteria. Collection method: clinical testing. Allele origin: unknown.
Comment: The BLM c.2619G>C (p.Lys873Asn) variant has not been reported in individuals with BLM-related conditions in the published literature. Published functional studies show that this variant has been reported to have no significant effect on hypersensitivity to a DNA damaging agent (PMID: 23129629 (2012)). The frequency of this variant in the general population, 0.0001 (13/129076 chromosomes (Genome Aggregation Database)), is uninformative in the assessment of its pathogenicity. Analysis of this variant using bioinformatics tools for the prediction of the effect of amino acid changes on protein structure and function yielded predictions that this variant is benign. Based on the available information, we are unable to determine the clinical significance of this variant.

Blueprint Genetics
Classification: Uncertain significance. Last evaluated: 2023-05-19. Review status: criteria provided, single submitter. Criteria: ACMG Guidelines, 2015. Collection method: clinical testing. Allele origin: germline.

Ambry Genetics
Classification: Likely benign for Hereditary cancer-predisposing syndrome. Last evaluated: 2020-01-17. Review status: criteria provided, single submitter. Criteria: Ambry Variant Classification Scheme 2023. Collection method: clinical testing. Allele origin: germline.

Fulgent Genetics
Classification: Uncertain significance for Bloom syndrome. Last evaluated: 2018-10-31. Review status: criteria provided, single submitter. Criteria: ACMG Guidelines, 2015. Collection method: clinical testing. Allele origin: unknown.

Natera, Inc.
Classification: Uncertain significance for Bloom syndrome. Last evaluated: 2020-09-16. Review status: no assertion criteria provided. Collection method: clinical testing. Allele origin: germline. Not counted in ClinVar's aggregate classification.

Literature cited by the submitters: PubMed 23129629 (cited by 3 submitters).